The following is an entry in ClinVar:

NM_001429.4(EP300):c.7049G>C (p.Gly2350Ala)

Gene: EP300 (E1A binding protein p300; plus strand). Cytogenetic location: 22q13.2.
Variant type: single nucleotide variant.
Coding change: c.7049G>C on transcript NM_001429.4 (MANE Select); coding-DNA position 7049, G replaced by C.
Protein change: p.Gly2350Ala; replaces glycine 2350 with alanine.
Molecular consequence: missense variant.
Genome position (GRCh38, 1-based): chr22:41,178,760, G>C. VCF-style: chr22-41178760-G-C. GRCh37 (hg19) VCF-style: chr22-41574764-G-C.
Other names: c.6971G>C, p.Gly2324Ala (NM_001362843.2); short protein forms G2324A, G2350A.
Identifiers: ClinVar variation 2577595 (VCV002577595.1), dbSNP rs764471047, ClinGen allele CA324520279.

ClinVar aggregate classification (germline): Uncertain significance (1 of 4 stars; one submission).

gnomAD v4.1: 22 of 1,614,010 alleles (0.0014%); highest among the groups gnomAD compares: Non-Finnish European, 0.0019%; no homozygotes.

Submission:

GeneDx
Classification: Uncertain significance. Last evaluated: 2023-08-07. Review status: criteria provided, single submitter. Criteria: GeneDx Variant Classification Process June 2021. Collection method: clinical testing. Allele origin: germline. Affected: yes.
Comment: In silico analysis supports that this missense variant has a deleterious effect on protein structure/function; Has not been previously published as pathogenic or benign to our knowledge